The following is an entry in ClinVar:

NM_170707.4(LMNA):c.1122C>T (p.His374=)

Gene: LMNA (lamin A/C; plus strand). Cytogenetic location: 1q22.
Variant type: single nucleotide variant.
Coding change: c.1122C>T on transcript NM_170707.4 (MANE Select); coding-DNA position 1122, C replaced by T.
Protein change: p.His374=; no amino-acid change (histidine 374 retained).
Molecular consequence: synonymous variant.
Genome position (GRCh38, 1-based): chr1:156,136,086, C>T. VCF-style: chr1-156136086-C-T. GRCh37 (hg19) VCF-style: chr1-156105877-C-T.
Other names: c.786C>T, p.His262= (NM_001257374.3); c.879C>T, p.His293= (NM_001282624.2); c.1122C>T, p.His374= (NM_001282625.2, NM_001282626.2, NM_005572.4 and 1 more transcripts).
Identifiers: ClinVar variation 163870 (VCV000163870.24), dbSNP rs143715750, ClinGen allele CA016632.
Genomic context (GRCh38, chr1:156,136,086, plus strand): 5'-GCAGCTGGACGAGTACCAGGAGCTTCTGGACATCAAGCTGGCCCTGGACATGGAGATCCA[C>T]GCCTACCGCAAGCTCTTGGAGGGCGAGGAGGAGAGGTGGGCTGGGGAGACGTCGGGGAGG-3'
Protein context (NP_733821.1, residues 364-384): DIKLALDMEI[His374=]AYRKLLEGEE

ClinVar aggregate classification (germline): Conflicting classifications of pathogenicity. Review status: criteria provided, conflicting classifications (1 of 4 stars). 6 submissions from 6 submitters: Uncertain significance (1); Likely benign (5). Last evaluated 2026-01-05.

Conditions:
Cardiomyopathy (CMYO). Also called: Cardiomyopathies. Identifiers: Orphanet 167848, MedGen C0878544, MONDO:0004994, HP:0001638. Inheritance: Various modes of inheritance.
Cardiovascular phenotype. Identifiers: MedGen CN230736.
Charcot-Marie-Tooth disease type 2. Also called: Charcot-Marie-Tooth type 2. Identifiers: Orphanet 64746, MedGen C0270914, MONDO:0018993.

Allele frequency attached by ClinVar (database versions not stated): TOPMed 0.00005; ESP Exome Variant Server 0.00008; ExAC 0.00013.
gnomAD v4.1: 70 of 1,613,928 alleles (0.0043%); highest among the groups gnomAD compares: South Asian, 0.046%; 1 homozygote.

Submissions (6):

Labcorp Genetics (formerly Invitae), Labcorp
Classification: Likely benign for Charcot-Marie-Tooth disease type 2. Last evaluated: 2026-01-05. Review status: criteria provided, single submitter. Criteria: Invitae Variant Classification Sherloc (09022015). Collection method: clinical testing. Allele origin: germline.

Blueprint Genetics
Classification: Likely benign. Last evaluated: 2023-12-08. Review status: criteria provided, single submitter. Criteria: ACMG Guidelines, 2015. Collection method: clinical testing. Allele origin: germline.

Color Diagnostics, LLC DBA Color Health
Classification: Likely benign for Cardiomyopathy. Last evaluated: 2019-07-15. Review status: criteria provided, single submitter. Criteria: ACMG Guidelines, 2015. Collection method: clinical testing. Allele origin: germline.

Eurofins Ntd Llc (ga)
Classification: Uncertain significance. Last evaluated: 2015-11-24. Review status: criteria provided, single submitter. Criteria: EGL Classification Definitions 2015. Collection method: clinical testing. Allele origin: germline. Observed: 2 variant alleles, 1 heterozygote.

Ambry Genetics
Classification: Likely benign for Cardiovascular phenotype. Last evaluated: 2015-05-15. Review status: criteria provided, single submitter. Criteria: Ambry Variant Classification Scheme 2023. Collection method: clinical testing. Allele origin: germline.

Laboratory for Molecular Medicine, Mass General Brigham Personalized Medicine
Classification: Likely benign. Last evaluated: 2012-03-19. Review status: criteria provided, single submitter. Criteria: LMM Criteria. Collection method: clinical testing. Allele origin: germline. Observed: 1 variant allele.
Comment: His374His in exon 6 of LMNA: This variant is not expected to have clinical signi ficance because it does not alter an amino acid residue and is not located withi n the splice consensus sequence. It has been identified in 1/3738 African Americ an chromosomes from a broad population by the NHLBI Exome Sequencing Project (dbSNP rs143715750).